The following is an entry in ClinVar:

ClinVar aggregate classification (germline): Uncertain significance. Review status: criteria provided, multiple submitters, no conflicts (2 of 4 stars). 5 submissions from 5 submitters: Uncertain significance (5). Last evaluated 2026-04-21.

Conditions:
ANKRD1-related disorder. Also called: ANKRD1-related condition.
Cardiovascular phenotype. Identifiers: MedGen CN230736.
ANKRD1-related dilated cardiomyopathy. Identifiers: MedGen CN119551.

Allele frequency attached by ClinVar (database versions not stated): ExAC 0.00001; gnomAD 0.00001 and 0.00002; gnomAD exomes 0.00001; TOPMed 0.00003.

Submissions (5):

PreventionGenetics, part of Exact Sciences
Classification: Uncertain significance for ANKRD1-related condition. Last evaluated: 2026-04-21. Review status: criteria provided, single submitter. Criteria: ACMG Guidelines, 2015. Collection method: clinical testing. Allele origin: germline.
Comment: The ANKRD1 c.472C>T variant is predicted to result in the amino acid substitution p.His158Tyr. This variant has not been reported in the literature in individuals with ANKRD1-related disorders. This variant is reported in 0.018% of alleles in individuals of African descent in gnomAD and is interpreted as uncertain in ClinVar (Variation ID: 935914). At this time, the clinical significance of this variant is uncertain due to the absence of conclusive functional and genetic evidence.

Women's Health and Genetics/Laboratory Corporation of America, LabCorp
Classification: Uncertain significance. Last evaluated: 2025-05-30. Review status: criteria provided, single submitter. Criteria: LabCorp Variant Classification Summary - May 2015. Collection method: clinical testing. Allele origin: germline.

Ambry Genetics
Classification: Uncertain significance for Cardiovascular phenotype. Last evaluated: 2025-05-10. Review status: criteria provided, single submitter. Criteria: Ambry Variant Classification Scheme 2023. Collection method: clinical testing. Allele origin: germline.
Comment: The p.H158Y variant (also known as c.472C>T), located in coding exon 5 of the ANKRD1 gene, results from a C to T substitution at nucleotide position 472. The histidine at codon 158 is replaced by tyrosine, an amino acid with similar properties. This amino acid position is highly conserved in available vertebrate species. In addition, this alteration is predicted to be deleterious by in silico analysis. The evidence for this gene-disease relationship is limited; therefore, the clinical significance of this alteration is unclear.

Labcorp Genetics (formerly Invitae), Labcorp
Classification: Uncertain significance for ANKRD1-related dilated cardiomyopathy. Last evaluated: 2024-02-14. Review status: criteria provided, single submitter. Criteria: Invitae Variant Classification Sherloc (09022015). Collection method: clinical testing. Allele origin: germline.
Comment: This sequence change replaces histidine, which is basic and polar, with tyrosine, which is neutral and polar, at codon 158 of the ANKRD1 protein (p.His158Tyr). This variant is present in population databases (rs773773073, gnomAD 0.02%). This variant has not been reported in the literature in individuals affected with ANKRD1-related conditions. ClinVar contains an entry for this variant (Variation ID: 935914). Advanced modeling of protein sequence and biophysical properties (such as structural, functional, and spatial information, amino acid conservation, physicochemical variation, residue mobility, and thermodynamic stability) performed at Invitae indicates that this missense variant is not expected to disrupt ANKRD1 protein function with a negative predictive value of 80%. In summary, the available evidence is currently insufficient to determine the role of this variant in disease. Therefore, it has been classified as a Variant of Uncertain Significance.

GeneDx
Classification: Uncertain significance. Last evaluated: 2021-02-24. Review status: criteria provided, single submitter. Criteria: GeneDx Variant Classification Process June 2021. Collection method: clinical testing. Allele origin: germline. Affected: yes.
Comment: Has not been previously published as pathogenic or benign to our knowledge; Not observed at a significant frequency in large population cohorts (Lek et al., 2016); In silico analysis supports that this missense variant has a deleterious effect on protein structure/function

NM_014391.3(ANKRD1):c.472C>T (p.His158Tyr)

Gene: ANKRD1 (ankyrin repeat domain 1; minus strand). Cytogenetic location: 10q23.31.
Variant type: single nucleotide variant.
Coding change: c.472C>T on transcript NM_014391.3 (MANE Select); coding-DNA position 472, C replaced by T.
Protein change: p.His158Tyr; replaces histidine 158 with tyrosine.
Molecular consequence: missense variant.
Genome position (GRCh38, 1-based): chr10:90,917,812, G>A on the plus strand (C>T on the coding strand, the complement: ANKRD1 is on the minus strand). VCF-style: chr10-90917812-G-A. GRCh37 (hg19) VCF-style: chr10-92677569-G-A.
Other names: short protein forms H158Y.
Identifiers: ClinVar variation 935914 (VCV000935914.16), dbSNP rs773773073, ClinGen allele CA5598715.